The following is an entry in ClinVar:

NM_001089.3(ABCA3):c.2796G>A (p.Val932=)

Gene: ABCA3 (ATP binding cassette subfamily A member 3; minus strand). Cytogenetic location: 16p13.3.
Variant type: single nucleotide variant.
Coding change: c.2796G>A on transcript NM_001089.3 (MANE Select); coding-DNA position 2796, G replaced by A.
Protein change: p.Val932=; no amino-acid change (valine 932 retained).
Molecular consequence: synonymous variant.
Genome position (GRCh38, 1-based): chr16:2,288,234, C>T on the plus strand (G>A on the coding strand, the complement: ABCA3 is on the minus strand). VCF-style: chr16-2288234-C-T. GRCh37 (hg19) VCF-style: chr16-2338235-C-T.
Identifiers: ClinVar variation 318431 (VCV000318431.15), dbSNP rs138500355, ClinGen allele CA7840699.

ClinVar aggregate classification (germline): Benign/Likely benign. Review status: criteria provided, multiple submitters, no conflicts (2 of 4 stars). 5 submissions from 5 submitters: Benign (1); Likely benign (4). Last evaluated 2026-01-25.

Conditions:
Hereditary pulmonary alveolar proteinosis. Also called: Pulmonary surfactant metabolism dysfunction. Identifiers: Orphanet 264675, MedGen C3711368, MONDO:0012580.
Interstitial lung disease due to ABCA3 deficiency. Also called: PULMONARY ALVEOLAR PROTEINOSIS, CONGENITAL, 3. Identifiers: Orphanet 440402, MedGen C1970456, MONDO:0012582, OMIM 610921.

Allele frequency attached by ClinVar (database versions not stated): gnomAD exomes 0.00009 and 0.00021; 1000 Genomes Project 0.00060; ExAC 0.00060; 1000 Genomes Project 30x 0.00062; gnomAD 0.00112 and 0.00120; ESP Exome Variant Server 0.00123; TOPMed 0.00127.

Submissions (5):

Labcorp Genetics (formerly Invitae), Labcorp
Classification: Benign. Last evaluated: 2026-01-25. Review status: criteria provided, single submitter. Criteria: Invitae Variant Classification Sherloc (09022015). Collection method: clinical testing. Allele origin: germline.

Ambry Genetics
Classification: Likely benign for Hereditary pulmonary alveolar proteinosis. Last evaluated: 2025-10-29. Review status: criteria provided, single submitter. Criteria: Ambry Variant Classification Scheme 2023. Collection method: clinical testing. Allele origin: germline.

Blueprint Genetics
Classification: Likely benign. Last evaluated: 2024-08-28. Review status: criteria provided, single submitter. Criteria: ACMG Guidelines, 2015. Collection method: clinical testing. Allele origin: germline.

Johns Hopkins Genomics, Johns Hopkins University
Classification: Likely benign for Interstitial lung disease due to ABCA3 deficiency. Last evaluated: 2020-06-16. Review status: criteria provided, single submitter. Criteria: ACMG Guidelines, 2015. Collection method: clinical testing. Allele origin: germline.

Illumina Laboratory Services, Illumina
Classification: Likely benign for Interstitial lung disease due to ABCA3 deficiency. Last evaluated: 2018-01-13. Review status: criteria provided, single submitter. Criteria: ICSL Variant Classification Criteria 13 December 2019. Collection method: clinical testing. Allele origin: germline.
Comment: This variant was observed in the ICSL laboratory as part of a predisposition screen in an ostensibly healthy population. It had not been previously curated by ICSL or reported in the Human Gene Mutation Database (HGMD: prior to June 1st, 2018), and was therefore a candidate for classification through an automated scoring system. Utilizing variant allele frequency, disease prevalence and penetrance estimates, and inheritance mode, an automated score was calculated to assess if this variant is too frequent to cause the disease. Based on the score and internal cut-off values, a variant classified as likely benign is not then subjected to further curation. The score for this variant resulted in a classification of likely benign for this disease.